The following is an entry in ClinVar:

NM_000275.3(OCA2):c.306G>T (p.Arg102Ser)

Gene: OCA2 (OCA2 melanosomal transmembrane protein; minus strand). Cytogenetic location: 15q13.1.
Variant type: single nucleotide variant.
Coding change: c.306G>T on transcript NM_000275.3 (MANE Select); coding-DNA position 306, G replaced by T.
Protein change: p.Arg102Ser; replaces arginine 102 with serine.
Molecular consequence: missense variant.
Genome position (GRCh38, 1-based): chr15:28,032,085, C>A on the plus strand (G>T on the coding strand, the complement: OCA2 is on the minus strand). VCF-style: chr15-28032085-C-A. GRCh37 (hg19) VCF-style: chr15-28277231-C-A.
Other names: c.306G>T, p.Arg102Ser (NM_001300984.2); short protein forms R102S.
Identifiers: ClinVar variation 1716897 (VCV001716897.5), dbSNP rs2548508216, ClinGen allele CA391362950.

ClinVar aggregate classification (germline): Uncertain significance (1 of 4 stars; one submission).

Allele frequency attached by ClinVar (database versions not stated): gnomAD exomes below 0.00001.
gnomAD v4.1: 1 of 1,613,678 alleles (0.000062%); highest among the groups gnomAD compares: South Asian, 0.0011%; no homozygotes.

Submission:

Labcorp Genetics (formerly Invitae), Labcorp
Classification: Uncertain significance. Last evaluated: 2022-08-19. Review status: criteria provided, single submitter. Criteria: Invitae Variant Classification Sherloc (09022015). Collection method: clinical testing. Allele origin: germline.
Comment: In summary, the available evidence is currently insufficient to determine the role of this variant in disease. Therefore, it has been classified as a Variant of Uncertain Significance. Algorithms developed to predict the effect of sequence changes on RNA splicing suggest that this variant may disrupt the consensus splice site. Advanced modeling of protein sequence and biophysical properties (such as structural, functional, and spatial information, amino acid conservation, physicochemical variation, residue mobility, and thermodynamic stability) performed at Invitae indicates that this missense variant is not expected to disrupt OCA2 protein function. This variant has not been reported in the literature in individuals affected with OCA2-related conditions. This variant is not present in population databases (gnomAD no frequency). This sequence change replaces arginine, which is basic and polar, with serine, which is neutral and polar, at codon 102 of the OCA2 protein (p.Arg102Ser).